The following is an entry in ClinVar:

NM_001172509.2(SATB2):c.1385A>C (p.Gln462Pro)

Gene: SATB2 (SATB homeobox 2; minus strand). Cytogenetic location: 2q33.1.
Variant type: single nucleotide variant.
Coding change: c.1385A>C on transcript NM_001172509.2 (MANE Select); coding-DNA position 1385, A replaced by C.
Protein change: p.Gln462Pro; replaces glutamine 462 with proline.
Molecular consequence: missense variant.
Genome position (GRCh38, 1-based): chr2:199,328,699, T>G on the plus strand (A>C on the coding strand, the complement: SATB2 is on the minus strand). VCF-style: chr2-199328699-T-G. GRCh37 (hg19) VCF-style: chr2-200193422-T-G.
Other names: c.1385A>C, p.Gln462Pro (NM_001172517.1, NM_015265.4); short protein forms Q462P.
Identifiers: ClinVar variation 4086352 (VCV004086352.1).
Genomic context (GRCh38, chr2:199,328,699, plus strand): 5'-AGTGAAGGCAAGATGTTTCCAAGACAAAGAGTGAAAAATACGGAAAGCAAGTTTCTCACC[T>G]GAGGGGTTCGGGAGGAGCTGGGACTGCTGGAGGCCGAGGAGACCATGCTCACATTGGGAT-3'
Protein context (NP_001165980.1, residues 452-472): SSSPSSSRTP[Gln462Pro]AKTSTPTTDL

ClinVar aggregate classification (germline): Uncertain significance (1 of 4 stars; one submission).

gnomAD v4.1: 2 of 1,612,332 alleles (0.00012%); highest among the groups gnomAD compares: Non-Finnish European, 0.00017%; no homozygotes.

Submission:

GeneDx
Classification: Uncertain significance. Last evaluated: 2025-03-18. Review status: criteria provided, single submitter. Criteria: GeneDx Variant Classification Process June 2021. Collection method: clinical testing. Allele origin: germline. Affected: yes.
Comment: Not observed at significant frequency in large population cohorts (gnomAD); In silico analysis supports that this missense variant has a deleterious effect on protein structure/function; Has not been previously published as pathogenic or benign to our knowledge